The following is an entry in ClinVar:

NM_015272.5(RPGRIP1L):c.2640C>T (p.Val880=)

Gene: RPGRIP1L (RPGRIP1 like; minus strand). Cytogenetic location: 16q12.2.
Variant type: single nucleotide variant.
Coding change: c.2640C>T on transcript NM_015272.5 (MANE Select); coding-DNA position 2640, C replaced by T.
Protein change: p.Val880=; no amino-acid change (valine 880 retained).
Molecular consequence: synonymous variant.
Genome position (GRCh38, 1-based): chr16:53,645,668, G>A on the plus strand (C>T on the coding strand, the complement: RPGRIP1L is on the minus strand). VCF-style: chr16-53645668-G-A. GRCh37 (hg19) VCF-style: chr16-53679580-G-A.
Other names: c.2640C>T, p.Val880= (NM_001127897.4, NM_001308334.3, NM_001330538.2); c.2640C>T (NM_015272.4).
Identifiers: ClinVar variation 1160702 (VCV001160702.11), dbSNP rs767271797, ClinGen allele CA8057510.

ClinVar aggregate classification (germline): Likely benign. Review status: criteria provided, multiple submitters, no conflicts (2 of 4 stars). 3 submissions from 3 submitters: Likely benign (2). 1 of the submissions does not count toward it. Last evaluated 2025-03-17.

Conditions:
RPGRIP1L-related disorder. Also called: RPGRIP1L-related disorders; RPGRIP1L-related condition. Identifiers: MedGen CN239416.
Joubert syndrome. Also called: JOUBERT-BOLTSHAUSER SYNDROME; Familial aplasia of the vermis. Identifiers: Orphanet 475, MedGen C5979921, MONDO:0018772.
Meckel-Gruber syndrome. Also called: Dysencephalia splachnocystica; GRUBER SYNDROME; DYSENCEPHALIA SPLANCHNOCYSTICA. Identifiers: Orphanet 564, MedGen C0265215, MONDO:0018921.

Allele frequency attached by ClinVar (database versions not stated): gnomAD 0.00001; gnomAD exomes 0.00001; ExAC 0.00002.
gnomAD v4.1: 12 of 1,613,748 alleles (0.00074%); highest among the groups gnomAD compares: Non-Finnish European, 0.00093%; no homozygotes.

Submissions (3):

Labcorp Genetics (formerly Invitae), Labcorp
Classification: Likely benign for Joubert syndrome; Meckel-Gruber syndrome. Last evaluated: 2025-03-17. Review status: criteria provided, single submitter. Criteria: Invitae Variant Classification Sherloc (09022015). Collection method: clinical testing. Allele origin: germline.

Blueprint Genetics
Classification: Likely benign. Last evaluated: 2024-06-27. Review status: criteria provided, single submitter. Criteria: ACMG Guidelines, 2015. Collection method: clinical testing. Allele origin: germline.

PreventionGenetics, part of Exact Sciences
Classification: Likely benign for RPGRIP1L-related condition. Last evaluated: 2021-10-07. Review status: no assertion criteria provided. Collection method: clinical testing. Allele origin: germline. Not counted in ClinVar's aggregate classification.
Comment: This variant is classified as likely benign based on ACMG/AMP sequence variant interpretation guidelines (Richards et al. 2015 PMID: 25741868, with internal and published modifications).